The following is an entry in ClinVar:

ClinVar aggregate classification (germline): Likely benign. Review status: criteria provided, single submitter (1 of 4 stars). 2 submissions from 2 submitters: Likely benign (1). 1 of the submissions does not count toward it. Last evaluated 2023-12-15.

Conditions:
GP1BB-related disorder. Also called: GP1BB-related condition.

Allele frequency attached by ClinVar (database versions not stated): gnomAD exomes 0.00002; TOPMed 0.00003; gnomAD 0.00005; ExAC 0.00006.

Submissions (2):

Blueprint Genetics
Classification: Likely benign. Last evaluated: 2023-12-15. Review status: criteria provided, single submitter. Criteria: ACMG Guidelines, 2015. Collection method: clinical testing. Allele origin: germline.

PreventionGenetics, part of Exact Sciences
Classification: Likely benign for GP1BB-related condition. Last evaluated: 2024-02-07. Review status: no assertion criteria provided. Collection method: clinical testing. Allele origin: germline. Not counted in ClinVar's aggregate classification.
Comment: This variant is classified as likely benign based on ACMG/AMP sequence variant interpretation guidelines (Richards et al. 2015 PMID: 25741868, with internal and published modifications).

NM_000407.5(GP1BB):c.-14G>A

Genes: GP1BB (glycoprotein Ib platelet subunit beta; plus strand), SEPT5-GP1BB (SEPT5-GP1BB readthrough; plus strand). Cytogenetic location: 22q11.21.
Variant type: single nucleotide variant.
Coding change: c.-14G>A on transcript NM_000407.5 (MANE Select); 14 bases upstream of the start codon, G replaced by A.
Molecular consequence: 5 prime UTR variant. On other transcripts: non-coding transcript variant (2).
Genome position (GRCh38, 1-based): chr22:19,723,556, G>A. VCF-style: chr22-19723556-G-A. GRCh37 (hg19) VCF-style: chr22-19711079-G-A.
Identifiers: ClinVar variation 3033503 (VCV003033503.3), dbSNP rs774439004, ClinGen allele CA10102260.